The following is an entry in ClinVar:

NM_182916.3(TRNT1):c.803-74G>A

Gene: TRNT1 (tRNA nucleotidyl transferase 1; plus strand). Cytogenetic location: 3p26.2.
Variant type: single nucleotide variant.
Coding change: c.803-74G>A on transcript NM_182916.3 (MANE Select); 74 bases into the intron before coding-DNA position 803, G replaced by A.
Molecular consequence: intron variant.
Genome position (GRCh38, 1-based): chr3:3,147,376, G>A. VCF-style: chr3-3147376-G-A. GRCh37 (hg19) VCF-style: chr3-3189060-G-A.
Other names: c.803-74G>A (NM_001367321.1, NM_001367323.1, NM_001367322.1); c.743-74G>A (NM_001302946.2).
Identifiers: ClinVar variation 676434 (VCV000676434.4), dbSNP rs2306767, ClinGen allele CA11579464.

ClinVar aggregate classification (germline): Benign. Review status: criteria provided, multiple submitters, no conflicts (2 of 4 stars). 3 submissions from 3 submitters: Benign (3). Last evaluated 2024-01-24.

Allele frequency attached by ClinVar (database versions not stated): TOPMed 0.16651; 1000 Genomes Project 0.15615; gnomAD 0.16178; 1000 Genomes Project 30x 0.16068.
gnomAD v4.1: 240,047 of 1,531,206 alleles (16%); highest among the groups gnomAD compares: Admixed American, 25%; 20,029 homozygotes.

Submissions (3):

Unidad de Genómica Garrahan, Hospital de Pediatría Garrahan
Classification: Benign. Last evaluated: 2024-01-24. Review status: criteria provided, single submitter. Criteria: ACMG Guidelines, 2015. Collection method: clinical testing. Allele origin: germline. Affected: no. Observed: 35 variant alleles.
Comment: This variant is classified as Benign based on local population frequency. This variant was detected in 37% of patients studied by a panel of primary immunodeficiencies. Number of patients: 35. Only high quality variants are reported.

GeneDx
Classification: Benign. Last evaluated: 2018-06-14. Review status: criteria provided, single submitter. Criteria: GeneDx Variant Classification (06012015). Collection method: clinical testing. Allele origin: germline. Affected: yes.
Comment: This variant is considered likely benign or benign based on one or more of the following criteria: it is a conservative change, it occurs at a poorly conserved position in the protein, it is predicted to be benign by multiple in silico algorithms, and/or has population frequency not consistent with disease.

Breakthrough Genomics
Classification: Benign. Review status: criteria provided, single submitter. Criteria: ACMG Guidelines, 2015. Collection method: not provided. Allele origin: germline. Inheritance: Autosomal recessive inheritance. Affected: yes.